The following is an entry in ClinVar:

ClinVar aggregate classification (germline): Uncertain significance. Review status: criteria provided, multiple submitters, no conflicts (2 of 4 stars). 2 submissions from 2 submitters: Uncertain significance (2). Last evaluated 2022-08-16.

Conditions:
Muscular dystrophy-dystroglycanopathy type B6 (MDDGB6). Also called: MUSCULAR DYSTROPHY, CONGENITAL, LARGE-RELATED; MUSCULAR DYSTROPHY, CONGENITAL, TYPE 1D; MUSCULAR DYSTROPHY-DYSTROGLYCANOPATHY (CONGENITAL WITH IMPAIRED INTELLECTUAL DEVELOPMENT), TYPE B, 6. Identifiers: MedGen C1837229, MONDO:0012138, OMIM 608840.

Allele frequency attached by ClinVar (database versions not stated): gnomAD exomes 0.00002 and 0.00005; gnomAD 0.00004 and 0.00005; TOPMed 0.00004; ExAC 0.00005.
gnomAD v4.1: 37 of 1,609,018 alleles (0.0023%); highest among the groups gnomAD compares: Admixed American, 0.018%; no homozygotes.

Submissions (2):

Labcorp Genetics (formerly Invitae), Labcorp
Classification: Uncertain significance for Muscular dystrophy-dystroglycanopathy type B6. Last evaluated: 2022-08-16. Review status: criteria provided, single submitter. Criteria: Invitae Variant Classification Sherloc (09022015). Collection method: clinical testing. Allele origin: germline.
Comment: This sequence change replaces glutamic acid, which is acidic and polar, with alanine, which is neutral and non-polar, at codon 74 of the LARGE1 protein (p.Glu74Ala). This variant is present in population databases (rs751789128, gnomAD 0.03%). This variant has not been reported in the literature in individuals affected with LARGE1-related conditions. ClinVar contains an entry for this variant (Variation ID: 640034). Algorithms developed to predict the effect of missense changes on protein structure and function output the following: SIFT: "Deleterious"; PolyPhen-2: "Benign"; Align-GVGD: "Class C0". The alanine amino acid residue is found in multiple mammalian species, which suggests that this missense change does not adversely affect protein function. In summary, the available evidence is currently insufficient to determine the role of this variant in disease. Therefore, it has been classified as a Variant of Uncertain Significance.

Baylor Genetics
Classification: Uncertain significance for Muscular dystrophy-dystroglycanopathy type B6. Last evaluated: 2020-10-19. Review status: criteria provided, single submitter. Criteria: ACMG Guidelines, 2015. Collection method: clinical testing. Allele origin: unknown. Affected: yes.
Comment: This variant was determined to be of uncertain significance according to ACMG Guidelines, 2015 [PMID:25741868].

NM_133642.5(LARGE1):c.221A>C (p.Glu74Ala)

Gene: LARGE1 (LARGE xylosyl- and glucuronyltransferase 1; minus strand). Cytogenetic location: 22q12.3.
Variant type: single nucleotide variant.
Coding change: c.221A>C on transcript NM_133642.5 (MANE Select); coding-DNA position 221, A replaced by C.
Protein change: p.Glu74Ala; replaces glutamic acid 74 with alanine.
Molecular consequence: missense variant.
Genome position (GRCh38, 1-based): chr22:33,650,554, T>G on the plus strand (A>C on the coding strand, the complement: LARGE1 is on the minus strand). VCF-style: chr22-33650554-T-G. GRCh37 (hg19) VCF-style: chr22-34046540-T-G.
Other names: c.221A>C, p.Glu74Ala (NM_001362949.2, NM_001362951.2, NM_001362953.2 and 7 more transcripts); short protein forms E74A.
Identifiers: ClinVar variation 640034 (VCV000640034.7), dbSNP rs751789128, ClinGen allele CA10203122.